The following is an entry in ClinVar:

NM_130384.3(ATRIP):c.882G>T (p.Gln294His)

Genes: ATRIP (ATR interacting protein; plus strand), ATRIP-TREX1 (ATRIP-TREX1 readthrough; plus strand). Cytogenetic location: 3p21.31.
Variant type: single nucleotide variant.
Coding change: c.882G>T on transcript NM_130384.3 (MANE Select); coding-DNA position 882, G replaced by T.
Protein change: p.Gln294His; replaces glutamine 294 with histidine.
Molecular consequence: missense variant. On other transcripts: non-coding transcript variant (1).
Genome position (GRCh38, 1-based): chr3:48,459,411, G>T. VCF-style: chr3-48459411-G-T. GRCh37 (hg19) VCF-style: chr3-48500810-G-T.
Other names: c.501G>T, p.Gln167His (NM_001271022.2); c.603G>T, p.Gln201His (NM_001271023.2); c.882G>T, p.Gln294His (NM_032166.4); short protein forms Q167H, Q294H, Q201H.
Identifiers: ClinVar variation 3976730 (VCV003976730.1).

ClinVar aggregate classification (germline): Uncertain significance (1 of 4 stars; one submission).

Submission:

Ambry Genetics
Classification: Uncertain significance. Last evaluated: 2025-05-21. Review status: criteria provided, single submitter. Criteria: Ambry Variant Classification Scheme 2023. Collection method: clinical testing. Allele origin: germline.
Comment: The p.Q294H variant (also known as c.882G>T), located in coding exon 6 of the ATRIP gene, results from a G to T substitution at nucleotide position 882. The glutamine at codon 294 is replaced by histidine, an amino acid with highly similar properties. This amino acid position is conserved. In addition, this alteration is predicted to be tolerated by in silico analysis. Based on the available evidence, the clinical significance of this variant remains unclear.